The following is an entry in ClinVar:

NM_000302.4(PLOD1):c.1706T>A (p.Leu569Gln)

Gene: PLOD1 (procollagen-lysine,2-oxoglutarate 5-dioxygenase 1; plus strand). Cytogenetic location: 1p36.22.
Variant type: single nucleotide variant.
Coding change: c.1706T>A on transcript NM_000302.4 (MANE Select); coding-DNA position 1706, T replaced by A.
Protein change: p.Leu569Gln; replaces leucine 569 with glutamine.
Molecular consequence: missense variant.
Genome position (GRCh38, 1-based): chr1:11,967,042, T>A. VCF-style: chr1-11967042-T-A. GRCh37 (hg19) VCF-style: chr1-12027099-T-A.
Other names: c.1847T>A, p.Leu616Gln (NM_001316320.2); short protein forms L569Q, L616Q.
Identifiers: ClinVar variation 459815 (VCV000459815.13), dbSNP rs773547480, ClinGen allele CA598525.

ClinVar aggregate classification (germline): Conflicting classifications of pathogenicity. Review status: criteria provided, conflicting classifications (1 of 4 stars). 2 submissions from 2 submitters: Likely pathogenic (1); Uncertain significance (1). Last evaluated 2025-12-19.

Conditions:
Ehlers-Danlos syndrome, kyphoscoliotic type 1 (EDSKSCL1). Also called: EHLERS-DANLOS SYNDROME, TYPE VIA; Ehlers-Danlos syndrome, hydroxylysine-deficient; EHLERS-DANLOS SYNDROME, OCULAR-SCOLIOTIC TYPE; PLOD1-Related Kyphoscoliotic Ehlers-Danlos Syndrome. Identifiers: Orphanet 1900, MedGen C0268342, MONDO:0016002, OMIM 225400. Disease mechanism: loss of function.

Allele frequency attached by ClinVar (database versions not stated): ExAC 0.00001.
gnomAD v4.1: 13 of 1,614,044 alleles (0.00081%); highest among the groups gnomAD compares: Non-Finnish European, 0.0011%; no homozygotes.

Submissions (2):

Labcorp Genetics (formerly Invitae), Labcorp
Classification: Uncertain significance for Ehlers-Danlos syndrome, kyphoscoliotic type 1. Last evaluated: 2025-12-19. Review status: criteria provided, single submitter. Criteria: Invitae Variant Classification Sherloc (09022015). Collection method: clinical testing. Allele origin: germline.
Comment: This sequence change replaces leucine, which is neutral and non-polar, with glutamine, which is neutral and polar, at codon 569 of the PLOD1 protein (p.Leu569Gln). This variant is present in population databases (rs773547480, gnomAD 0.0009%). This variant has not been reported in the literature in individuals affected with PLOD1-related conditions. ClinVar contains an entry for this variant (Variation ID: 459815). Invitae Evidence Modeling of protein sequence and biophysical properties (such as structural, functional, and spatial information, amino acid conservation, physicochemical variation, residue mobility, and thermodynamic stability) has been performed for this missense variant. However, the output from this modeling did not meet the statistical confidence thresholds required to predict the impact of this variant on PLOD1 protein function. In summary, the available evidence is currently insufficient to determine the role of this variant in disease. Therefore, it has been classified as a Variant of Uncertain Significance.

GeneDx
Classification: Likely pathogenic. Last evaluated: 2022-01-31. Review status: criteria provided, single submitter. Criteria: GeneDx Variant Classification Process June 2021. Collection method: clinical testing. Allele origin: germline. Affected: yes.
Comment: Not observed at significant frequency in large population cohorts (gnomAD); In silico analysis supports that this missense variant has a deleterious effect on protein structure/function; Has not been previously published as pathogenic or benign to our knowledge